The following is an entry in ClinVar:

NM_000682.7(ADRA2B):c.1242C>T (p.Ile414=)

Gene: ADRA2B (adrenoceptor alpha 2B; minus strand). Cytogenetic location: 2q11.2.
Variant type: single nucleotide variant.
Coding change: c.1242C>T on transcript NM_000682.7 (MANE Select); coding-DNA position 1242, C replaced by T.
Protein change: p.Ile414=; no amino-acid change (isoleucine 414 retained).
Molecular consequence: synonymous variant.
Genome position (GRCh38, 1-based): chr2:96,114,908, G>A on the plus strand (C>T on the coding strand, the complement: ADRA2B is on the minus strand). VCF-style: chr2-96114908-G-A. GRCh37 (hg19) VCF-style: chr2-96780656-G-A.
Identifiers: ClinVar variation 3025171 (VCV003025171.22), dbSNP rs541934198, ClinGen allele CA1775807.
Genomic context (GRCh38, chr2:96,114,908, plus strand): 5'-GCGGAAGTCCTGGTTGAAGATGGTGTAGATAACAGGGTTCAGTGAGCTGTTGCAGTAGCC[G>A]ATCCAGAAGAAGAACTGGAAGAGGCCATGGGGCACCTTGCAGTGCTTCGGGCAGATGGCT-3'
Protein context (NP_000673.2, residues 404-424): PHGLFQFFFW[Ile414=]GYCNSSLNPV

ClinVar aggregate classification (germline): Likely benign (1 of 4 stars; one submission).

Allele frequency attached by ClinVar (database versions not stated): 1000 Genomes Project 30x 0.00016; ExAC 0.00016; 1000 Genomes Project 0.00020.
gnomAD v4.1: 111 of 1,614,004 alleles (0.0069%); highest among the groups gnomAD compares: South Asian, 0.1%; no homozygotes.

Submission:

CeGaT Center for Human Genetics Tuebingen
Classification: Likely benign. Last evaluated: 2024-01-01. Review status: criteria provided, single submitter. Criteria: CeGaT Center For Human Genetics Tuebingen Variant Classification Criteria Version 2. Collection method: clinical testing. Allele origin: germline. Affected: yes. Observed: 1 variant allele.
Comment: ADRA2B: BP4, BP7